The following is an entry in ClinVar:

NM_012141.3(INTS6):c.2568A>G (p.Ser856=)

Gene: INTS6 (integrator complex subunit 6; minus strand). Cytogenetic location: 13q14.3.
Variant type: single nucleotide variant.
Coding change: c.2568A>G on transcript NM_012141.3 (MANE Select); coding-DNA position 2568, A replaced by G.
Protein change: p.Ser856=; no amino-acid change (serine 856 retained).
Molecular consequence: synonymous variant.
Genome position (GRCh38, 1-based): chr13:51,367,807, T>C on the plus strand (A>G on the coding strand, the complement: INTS6 is on the minus strand). VCF-style: chr13-51367807-T-C. GRCh37 (hg19) VCF-style: chr13-51941943-T-C.
Other names: c.2529A>G, p.Ser843= (NM_001039937.2); c.2034A>G, p.Ser678= (NM_001306091.2).
Identifiers: ClinVar variation 3037731 (VCV003037731.2), dbSNP rs61749884, ClinGen allele CA6986695.
Genomic context (GRCh38, chr13:51,367,807, plus strand): 5'-CTATATAAACTGTGGACTCATTTCATCACCATTTCATTATATGCAATAGTTTATTTACCT[T>C]GATGCTTCTTTAATGACATTTTGTAAAAATATTAGTCTTGTTTGTAAACTGCCTTGCACA-3'
Protein context (NP_036273.1, residues 846-866): IFLQNVIKEA[Ser856=]RFKKRMLIEQ

ClinVar aggregate classification (germline): Benign (0 of 4 stars; one submission).

Conditions:
INTS6-related disorder. Also called: INTS6-related condition.

Allele frequency attached by ClinVar (database versions not stated): ESP Exome Variant Server 0.00742; gnomAD 0.01140; gnomAD exomes 0.01215; TOPMed 0.01249; ExAC 0.02130; 1000 Genomes Project 30x 0.02873; 1000 Genomes Project 0.02915.
gnomAD v4.1: 18,958 of 1,539,298 alleles (1.2%); highest among the groups gnomAD compares: East Asian, 6.6%; 293 homozygotes.

Submission:

PreventionGenetics, part of Exact Sciences
Classification: Benign for INTS6-related condition. Last evaluated: 2019-04-11. Review status: no assertion criteria provided. Collection method: clinical testing. Allele origin: germline.
Comment: This variant is classified as benign based on ACMG/AMP sequence variant interpretation guidelines (Richards et al. 2015 PMID: 25741868, with internal and published modifications).